The following is an entry in ClinVar:

NM_020911.2(PLXNA4):c.2882C>T (p.Pro961Leu)

Gene: PLXNA4 (plexin A4; minus strand). Cytogenetic location: 7q32.3.
Variant type: single nucleotide variant.
Coding change: c.2882C>T on transcript NM_020911.2 (MANE Select); coding-DNA position 2882, C replaced by T.
Protein change: p.Pro961Leu; replaces proline 961 with leucine.
Molecular consequence: missense variant.
Genome position (GRCh38, 1-based): chr7:132,187,582, G>A on the plus strand (C>T on the coding strand, the complement: PLXNA4 is on the minus strand). VCF-style: chr7-132187582-G-A. GRCh37 (hg19) VCF-style: chr7-131872341-G-A.
Other names: c.2882C>T, p.Pro961Leu (NM_001393897.1); short protein forms P961L.
Identifiers: ClinVar variation 3345547 (VCV003345547.1).

ClinVar aggregate classification (germline): Uncertain significance (0 of 4 stars; one submission).

Conditions:
PLXNA4-related disorder. Also called: PLXNA4-related condition.

Submission:

PreventionGenetics, part of Exact Sciences
Classification: Uncertain significance for PLXNA4-related condition. Last evaluated: 2024-04-18. Review status: no assertion criteria provided. Collection method: clinical testing. Allele origin: germline.
Comment: The PLXNA4 c.2882C>T variant is predicted to result in the amino acid substitution p.Pro961Leu. To our knowledge, this variant has not been reported in the literature or in gnomAD, indicating this variant is rare. At this time, the clinical significance of this variant is uncertain due to the absence of conclusive functional and genetic evidence.